The following is an entry in ClinVar:

NM_005141.5(FGB):c.506T>A (p.Val169Asp)

Gene: FGB (fibrinogen beta chain; plus strand). Cytogenetic location: 4q31.3.
Variant type: single nucleotide variant.
Coding change: c.506T>A on transcript NM_005141.5 (MANE Select); coding-DNA position 506, T replaced by A.
Protein change: p.Val169Asp; replaces valine 169 with aspartic acid.
Molecular consequence: missense variant.
Genome position (GRCh38, 1-based): chr4:154,567,608, T>A. VCF-style: chr4-154567608-T-A. GRCh37 (hg19) VCF-style: chr4-155488760-T-A.
Other names: c.329T>A, p.Val110Asp (NM_001184741.1); c.374T>A, p.Val125Asp (NM_001382759.1); c.506T>A, p.Val169Asp (NM_001382760.1, NM_001382761.1, NM_001382762.1 and 3 more transcripts); short protein forms V110D, V125D, V169D.
Identifiers: ClinVar variation 1677258 (VCV001677258.1), dbSNP rs2110768107, ClinGen allele CA358510977.

ClinVar aggregate classification (germline): Uncertain significance (1 of 4 stars; one submission).

Conditions:
Congenital afibrinogenemia. Identifiers: Orphanet 335, Orphanet 98880, MedGen C2584774, MONDO:0008737, OMIM 202400.

Submission:

ISTH-SSC Genomics in Thrombosis and Hemostasis, KU Leuven, Center for Molecular and Vascular Biology
Classification: Uncertain significance for Congenital afibrinogenemia. Review status: criteria provided, single submitter. Criteria: ACMG Guidelines, 2015. Collection method: clinical testing. Allele origin: unknown. Affected: yes. Observed: 2 heterozygotes.
Comment: GoldVariant submitter: Dr Karyn Mégy NIHR Bioresource - Cambridge University, UK

Literature cited by the submitters: PubMed 34355501.